The following is an entry in ClinVar:

NM_018897.3(DNAH7):c.9611G>A (p.Arg3204His)

Gene: DNAH7 (dynein axonemal heavy chain 7; minus strand). Cytogenetic location: 2q32.3.
Variant type: single nucleotide variant.
Coding change: c.9611G>A on transcript NM_018897.3 (MANE Select); coding-DNA position 9611, G replaced by A.
Protein change: p.Arg3204His; replaces arginine 3204 with histidine.
Molecular consequence: missense variant.
Genome position (GRCh38, 1-based): chr2:195,816,778, C>T on the plus strand (G>A on the coding strand, the complement: DNAH7 is on the minus strand). VCF-style: chr2-195816778-C-T. GRCh37 (hg19) VCF-style: chr2-196681502-C-T.
Other names: short protein forms R3204H.
Identifiers: ClinVar variation 2500171 (VCV002500171.1), dbSNP rs199798030, ClinGen allele CA2034333.
Genomic context (GRCh38, chr2:195,816,778, plus strand): 5'-TCAATGTTGGCTAAATCAGCAAGAGAAAAAAATAGGATGGAAGAATGGATGGCAATAGGA[C>T]GATAGCCCATGCGGGTGGTGTCAATCTTTTTCTCTGTCTCTTCGGCTACTTCCTGCTTCT-3'
Protein context (NP_061720.2, residues 3194-3214): KKIDTTRMGY[Arg3204His]PIAIHSSILF

ClinVar aggregate classification (germline): no classifications from unflagged records (0 of 4 stars; one submission).

Conditions:
Ciliary dyskinesia, primary, 50 (CILD50). Identifiers: MedGen C5830473, MONDO:0957252, OMIM 620356.

Allele frequency attached by ClinVar (database versions not stated): ESP Exome Variant Server 0.00042.
gnomAD v4.1: 322 of 1,613,980 alleles (0.02%); highest among the groups gnomAD compares: Non-Finnish European, 0.024%; no homozygotes.

Submission:

OMIM
Classification: Pathogenic for CILIARY DYSKINESIA, PRIMARY, 50. Last evaluated: 2023-04-28. Review status: flagged submission. Collection method: literature only. Allele origin: germline.
ClinVar note: Notes: Flagging candidate with reason of insufficient supporting evidence. This gene has been classified as having a limited gene-disease relationship by a ClinGen Expert Panel.
ClinVar note: Reason: P/LP classification for a variant in a gene with insufficient evidence for a gene-disease relationship

Literature cited by the submitters: PubMed 34476482.